The following is an entry in ClinVar:

ClinVar aggregate classification (germline): Conflicting classifications of pathogenicity. Review status: criteria provided, conflicting classifications (1 of 4 stars). 5 submissions from 5 submitters: Uncertain significance (4); Likely benign (1). Last evaluated 2025-03-18.

Conditions:
Inborn genetic diseases. Identifiers: MedGen C0950123, MeSH D030342.
Congenital stationary night blindness 1F. Also called: Night blindness, congenital stationary (complete), 1F, autosomal recessive. Identifiers: Orphanet 215, MedGen C3554399, MONDO:0014026, OMIM 615058.

Allele frequency attached by ClinVar (database versions not stated): ExAC 0.00016; gnomAD exomes 0.00017 and 0.00034; ESP Exome Variant Server 0.00023; TOPMed 0.00023; gnomAD 0.00025 and 0.00027.
gnomAD v4.1: 518 of 1,613,768 alleles (0.032%); highest among the groups gnomAD compares: Non-Finnish European, 0.042%; no homozygotes.

Submissions (5):

Ambry Genetics
Classification: Uncertain significance for Inborn genetic diseases. Last evaluated: 2025-03-18. Review status: criteria provided, single submitter. Criteria: Ambry Variant Classification Scheme 2023. Collection method: clinical testing. Allele origin: germline.

Blueprint Genetics
Classification: Likely benign. Last evaluated: 2024-06-12. Review status: criteria provided, single submitter. Criteria: ACMG Guidelines, 2015. Collection method: clinical testing. Allele origin: germline.

Labcorp Genetics (formerly Invitae), Labcorp
Classification: Uncertain significance. Last evaluated: 2022-08-31. Review status: criteria provided, single submitter. Criteria: Invitae Variant Classification Sherloc (09022015). Collection method: clinical testing. Allele origin: germline.
Comment: This sequence change replaces threonine, which is neutral and polar, with isoleucine, which is neutral and non-polar, at codon 349 of the LRIT3 protein (p.Thr349Ile). This variant is present in population databases (rs199662798, gnomAD 0.03%). This variant has not been reported in the literature in individuals affected with LRIT3-related conditions. ClinVar contains an entry for this variant (Variation ID: 347187). Algorithms developed to predict the effect of missense changes on protein structure and function output the following: SIFT: "Tolerated"; PolyPhen-2: "Benign"; Align-GVGD: "Class C0". The isoleucine amino acid residue is found in multiple mammalian species, which suggests that this missense change does not adversely affect protein function. In summary, the available evidence is currently insufficient to determine the role of this variant in disease. Therefore, it has been classified as a Variant of Uncertain Significance.

Illumina Laboratory Services, Illumina
Classification: Uncertain significance for Congenital stationary night blindness 1F. Last evaluated: 2018-01-12. Review status: criteria provided, single submitter. Criteria: ICSL Variant Classification Criteria 13 December 2019. Collection method: clinical testing. Allele origin: germline.

Eurofins Ntd Llc (ga)
Classification: Uncertain significance. Last evaluated: 2017-01-04. Review status: criteria provided, single submitter. Criteria: EGL Classification Definitions 2015. Collection method: clinical testing. Allele origin: germline. Observed: 1 variant allele, 1 heterozygote.

NM_198506.5(LRIT3):c.1046C>T (p.Thr349Ile)

Gene: LRIT3 (leucine rich repeat, Ig-like and transmembrane domains 3; plus strand). Cytogenetic location: 4q25.
Variant type: single nucleotide variant.
Coding change: c.1046C>T on transcript NM_198506.5 (MANE Select); coding-DNA position 1046, C replaced by T.
Protein change: p.Thr349Ile; replaces threonine 349 with isoleucine.
Molecular consequence: missense variant.
Genome position (GRCh38, 1-based): chr4:109,869,795, C>T. VCF-style: chr4-109869795-C-T. GRCh37 (hg19) VCF-style: chr4-110790951-C-T.
Other names: c.911C>T (NM_198506.2); short protein forms T349I.
Identifiers: ClinVar variation 347187 (VCV000347187.14), dbSNP rs199662798, ClinGen allele CA3043122.